The following is an entry in ClinVar:

NM_022114.4(PRDM16):c.1789G>A (p.Asp597Asn)

Gene: PRDM16 (PR/SET domain 16; plus strand). Cytogenetic location: 1p36.32.
Variant type: single nucleotide variant.
Coding change: c.1789G>A on transcript NM_022114.4 (MANE Select); coding-DNA position 1789, G replaced by A.
Protein change: p.Asp597Asn; replaces aspartic acid 597 with asparagine.
Molecular consequence: missense variant.
Genome position (GRCh38, 1-based): chr1:3,411,986, G>A. VCF-style: chr1-3411986-G-A. GRCh37 (hg19) VCF-style: chr1-3328550-G-A.
Other names: c.1789G>A, p.Asp597Asn (NM_199454.3); short protein forms D597N.
Identifiers: ClinVar variation 574039 (VCV000574039.12), dbSNP rs753255714, ClinGen allele CA544285.

ClinVar aggregate classification (germline): Uncertain significance. Review status: criteria provided, multiple submitters, no conflicts (2 of 4 stars). 3 submissions from 3 submitters: Uncertain significance (3). Last evaluated 2026-03-17.

Conditions:
Left ventricular noncompaction 8 (LVNC8). Identifiers: Orphanet 154, Orphanet 54260, MedGen C3809288, MONDO:0014152, OMIM 615373.

Allele frequency attached by ClinVar (database versions not stated): gnomAD 0.00001 and 0.00002; TOPMed 0.00002.
gnomAD v4.1: 42 of 1,613,546 alleles (0.0026%); highest among the groups gnomAD compares: South Asian, 0.0066%; no homozygotes.

Submissions (3):

Women's Health and Genetics/Laboratory Corporation of America, LabCorp
Classification: Uncertain significance. Last evaluated: 2026-03-17. Review status: criteria provided, single submitter. Criteria: LabCorp Variant Classification Summary - May 2015. Collection method: clinical testing. Allele origin: germline.

Labcorp Genetics (formerly Invitae), Labcorp
Classification: Uncertain significance for Left ventricular noncompaction 8. Last evaluated: 2024-05-26. Review status: criteria provided, single submitter. Criteria: Invitae Variant Classification Sherloc (09022015). Collection method: clinical testing. Allele origin: germline.
Comment: This sequence change replaces aspartic acid, which is acidic and polar, with asparagine, which is neutral and polar, at codon 597 of the PRDM16 protein (p.Asp597Asn). This variant is present in population databases (rs753255714, gnomAD 0.003%). This variant has not been reported in the literature in individuals affected with PRDM16-related conditions. ClinVar contains an entry for this variant (Variation ID: 574039). An algorithm developed to predict the effect of missense changes on protein structure and function (PolyPhen-2) suggests that this variant is likely to be disruptive. In summary, the available evidence is currently insufficient to determine the role of this variant in disease. Therefore, it has been classified as a Variant of Uncertain Significance.

Centre for Mendelian Genomics, University Medical Centre Ljubljana
Classification: Uncertain significance for Left ventricular noncompaction 8. Last evaluated: 2019-12-20. Review status: criteria provided, single submitter. Criteria: ACMG Guidelines, 2015. Collection method: clinical testing. Allele origin: unknown. Affected: yes.
Comment: This variant was classified as: Uncertain significance. The available evidence on this variant's pathogenicity is insufficient or conflicting. The following ACMG criteria were applied in classifying this variant: PP3,BP1.